The following is an entry in ClinVar:

ClinVar aggregate classification (germline): Uncertain significance (1 of 4 stars; one submission).

Conditions:
Pitt-Hopkins-like syndrome 2 (PTHSL2). Identifiers: Orphanet 221150, Orphanet 600663, MedGen C3280479, MONDO:0013690, OMIM 614325.

Submission:

Labcorp Genetics (formerly Invitae), Labcorp
Classification: Uncertain significance for Pitt-Hopkins-like syndrome 2. Last evaluated: 2026-01-01. Review status: criteria provided, single submitter. Criteria: Invitae Variant Classification Sherloc (09022015). Collection method: clinical testing. Allele origin: germline.
Comment: This sequence change replaces glutamine, which is neutral and polar, with arginine, which is basic and polar, at codon 240 of the NRXN1 protein (p.Gln240Arg). This variant is not present in population databases (gnomAD no frequency). This variant has not been reported in the literature in individuals affected with NRXN1-related conditions. An algorithm developed to predict the effect of missense changes on protein structure and function outputs the following: PolyPhen-2: "Benign". The arginine amino acid residue is found in multiple mammalian species, which suggests that this missense change does not adversely affect protein function. In summary, the available evidence is currently insufficient to determine the role of this variant in disease. Therefore, it has been classified as a Variant of Uncertain Significance.

NM_001330078.2(NRXN1):c.719A>G (p.Gln240Arg)

Gene: NRXN1 (neurexin 1; minus strand). Cytogenetic location: 2p16.3.
Variant type: single nucleotide variant.
Coding change: c.719A>G on transcript NM_001330078.2 (MANE Select); coding-DNA position 719, A replaced by G.
Protein change: p.Gln240Arg; replaces glutamine 240 with arginine.
Molecular consequence: missense variant.
Genome position (GRCh38, 1-based): chr2:51,027,555, T>C on the plus strand (A>G on the coding strand, the complement: NRXN1 is on the minus strand). VCF-style: chr2-51027555-T-C. GRCh37 (hg19) VCF-style: chr2-51254693-T-C.
Other names: c.719A>G, p.Gln240Arg (NM_001135659.3, NM_001330077.2, NM_001330079.2 and 15 more transcripts); short protein forms Q240R.
Identifiers: ClinVar variation 4777325 (VCV004777325.1).